The following is an entry in ClinVar:

ClinVar aggregate classification (germline): Benign/Likely benign. Review status: criteria provided, multiple submitters, no conflicts (2 of 4 stars). 5 submissions from 5 submitters: Benign (1); Likely benign (4). Last evaluated 2025-08-25.

Conditions:
Classic or attenuated familial adenomatous polyposis. Identifiers: MedGen CN372698, MONDO:0021057.
Familial adenomatous polyposis 1 (FAP1). Also called: FAMILIAL ADENOMATOUS POLYPOSIS 1, ATTENUATED; POLYPOSIS, ADENOMATOUS INTESTINAL. Identifiers: MedGen C2713442, MONDO:0021056, OMIM 175100. Disease mechanism: loss of function.
Hereditary cancer-predisposing syndrome. Also called: Neoplastic Syndromes, Hereditary; Hereditary Cancer Syndrome; Tumor predisposition; Hereditary neoplastic syndrome. Identifiers: Orphanet 140162, MedGen C0027672, MeSH D009386, MONDO:0015356.

Allele frequency attached by ClinVar (database versions not stated): gnomAD exomes below 0.00001; TOPMed 0.00002.
gnomAD v4.1: 1 of 1,614,138 alleles (0.000062%); highest among the groups gnomAD compares: Non-Finnish European, 0.000085%; no homozygotes.

Submissions (5):

Labcorp Genetics (formerly Invitae), Labcorp
Classification: Likely benign for Familial adenomatous polyposis 1. Last evaluated: 2025-08-25. Review status: criteria provided, single submitter. Criteria: Invitae Variant Classification Sherloc (09022015). Collection method: clinical testing. Allele origin: germline.

Myriad Genetics, Inc.
Classification: Benign for Familial adenomatous polyposis 1. Last evaluated: 2024-03-21. Review status: criteria provided, single submitter. Criteria: Myriad Autosomal Dominant, Autosomal Recessive and X-Linked Classification Criteria (2023). Collection method: clinical testing. Allele origin: unknown.
Comment: This variant is considered benign. This variant is a silent/synonymous amino acid change and it is not expected to impact splicing.

All of Us Research Program, National Institutes of Health
Classification: Likely benign for Classic or attenuated familial adenomatous polyposis. Last evaluated: 2023-10-30. Review status: criteria provided, single submitter. Criteria: ACMG Guidelines, 2015. Collection method: clinical testing. Allele origin: germline. Inheritance: Autosomal dominant inheritance. Observed: 3 variant alleles, 3 heterozygotes.
Comment: This study involves interpretation of variants in research participants for the purpose of population health screening. Participant phenotype was not available at the time of variant classification. Additional details can be found in publication PMID: 35346344, PMCID: PMC8962531

Color Diagnostics, LLC DBA Color Health
Classification: Likely benign for Hereditary cancer-predisposing syndrome. Last evaluated: 2022-11-06. Review status: criteria provided, single submitter. Criteria: ACMG Guidelines, 2015. Collection method: clinical testing. Allele origin: germline.

Ambry Genetics
Classification: Likely benign for Hereditary cancer-predisposing syndrome. Last evaluated: 2021-02-21. Review status: criteria provided, single submitter. Criteria: Ambry Variant Classification Scheme 2023. Collection method: clinical testing. Allele origin: germline.

NM_000038.6(APC):c.3681G>A (p.Arg1227=)

Gene: APC (APC regulator of Wnt signaling pathway; plus strand). Cytogenetic location: 5q22.2.
Variant type: single nucleotide variant.
Coding change: c.3681G>A on transcript NM_000038.6 (MANE Select); coding-DNA position 3681, G replaced by A.
Protein change: p.Arg1227=; no amino-acid change (arginine 1227 retained).
Molecular consequence: synonymous variant.
Genome position (GRCh38, 1-based): chr5:112,839,275, G>A. VCF-style: chr5-112839275-G-A. GRCh37 (hg19) VCF-style: chr5-112174972-G-A.
Other names: c.3681G>A, p.Arg1227= (NM_001127510.3, NM_001354895.2); c.3627G>A, p.Arg1209= (NM_001127511.3); c.3735G>A, p.Arg1245= (NM_001354896.2); c.3711G>A, p.Arg1237= (NM_001354897.2); c.3606G>A, p.Arg1202= (NM_001354898.2); c.3597G>A, p.Arg1199= (NM_001354899.2); c.3558G>A, p.Arg1186= (NM_001354900.2); c.3504G>A, p.Arg1168= (NM_001354901.2); and 5 more.
Identifiers: ClinVar variation 706513 (VCV000706513.16), dbSNP rs942982122, ClinGen allele CA125167775.